The following is an entry in ClinVar:

ClinVar aggregate classification (germline): Uncertain significance (1 of 4 stars; one submission).

Conditions:
Inborn genetic diseases. Identifiers: MedGen C0950123, MeSH D030342.

gnomAD v4.1: 6 of 1,536,542 alleles (0.00039%); highest among the groups gnomAD compares: African/African-American, 0.0055%; no homozygotes.

Submission:

Ambry Genetics
Classification: Uncertain significance for Inborn genetic diseases. Last evaluated: 2024-11-22. Review status: criteria provided, single submitter. Criteria: Ambry Variant Classification Scheme 2023. Collection method: clinical testing. Allele origin: germline.
Comment: The p.F48L variant (also known as c.144C>A), located in coding exon 1 of the SH2B3 gene, results from a C to A substitution at nucleotide position 144. The phenylalanine at codon 48 is replaced by leucine, an amino acid with highly similar properties. This amino acid position is conserved. In addition, the in silico prediction for this alteration is inconclusive. Based on the available evidence, the clinical significance of this variant remains unclear.

NM_005475.3(SH2B3):c.144C>A (p.Phe48Leu)

Gene: SH2B3 (SH2B adaptor protein 3; plus strand). Cytogenetic location: 12q24.12.
Variant type: single nucleotide variant.
Coding change: c.144C>A on transcript NM_005475.3 (MANE Select); coding-DNA position 144, C replaced by A.
Protein change: p.Phe48Leu; replaces phenylalanine 48 with leucine.
Molecular consequence: missense variant.
Genome position (GRCh38, 1-based): chr12:111,418,289, C>A. VCF-style: chr12-111418289-C-A. GRCh37 (hg19) VCF-style: chr12-111856093-C-A.
Other names: short protein forms F48L.
Identifiers: ClinVar variation 3440759 (VCV003440759.1).